The following is an entry in ClinVar:

NM_032122.5(DTNBP1):c.920C>T (p.Thr307Ile)

Gene: DTNBP1 (dystrobrevin binding protein 1; minus strand). Cytogenetic location: 6p22.3.
Variant type: single nucleotide variant.
Coding change: c.920C>T on transcript NM_032122.5 (MANE Select); coding-DNA position 920, C replaced by T.
Protein change: p.Thr307Ile; replaces threonine 307 with isoleucine.
Molecular consequence: missense variant.
Genome position (GRCh38, 1-based): chr6:15,523,111, G>A on the plus strand (C>T on the coding strand, the complement: DTNBP1 is on the minus strand). VCF-style: chr6-15523111-G-A. GRCh37 (hg19) VCF-style: chr6-15523342-G-A.
Other names: c.677C>T, p.Thr226Ile (NM_001271667.2, NM_183041.1); c.869C>T, p.Thr290Ile (NM_001271668.2); c.815C>T, p.Thr272Ile (NM_001271669.2); short protein forms T226I, T272I, T290I, T307I.
Identifiers: ClinVar variation 2574711 (VCV002574711.1), dbSNP rs1254341668, ClinGen allele CA362805064.

ClinVar aggregate classification (germline): Uncertain significance (1 of 4 stars; one submission).

Submission:

GeneDx
Classification: Uncertain significance. Last evaluated: 2023-01-31. Review status: criteria provided, single submitter. Criteria: GeneDx Variant Classification Process June 2021. Collection method: clinical testing. Allele origin: germline. Affected: yes.
Comment: Not observed at significant frequency in large population cohorts (gnomAD); In silico analysis supports that this missense variant has a deleterious effect on protein structure/function; Has not been previously published as pathogenic or benign to our knowledge